The following is an entry in ClinVar:

NM_033004.4(NLRP1):c.2357+1G>T

Gene: NLRP1 (NLR family pyrin domain containing 1; minus strand). Cytogenetic location: 17p13.2.
Variant type: single nucleotide variant.
Coding change: c.2357+1G>T on transcript NM_033004.4 (MANE Select); the canonical splice donor site of the intron after coding-DNA position 2357, G replaced by T.
Molecular consequence: splice donor variant.
Genome position (GRCh38, 1-based): chr17:5,558,338, C>A on the plus strand (G>T on the coding strand, the complement: NLRP1 is on the minus strand). VCF-style: chr17-5558338-C-A. GRCh37 (hg19) VCF-style: chr17-5461658-C-A.
Other names: c.2357+1G>T (NM_001033053.3, NM_033007.4, NM_033006.4 and 1 more transcripts).
Identifiers: ClinVar variation 4535386 (VCV004535386.6).
Genomic context (GRCh38, chr17:5,558,338, plus strand): 5'-AGGTCACTCGGGCTTATGGACTGACAGAGGAGCTGCAGACATGGGTGGTTTGGGTACTCA[C>A]AGGACTACCATGGTGGGGCTCCATGTTGATCTGTGCTGCCTGCCCTCAATCAGCTGAAGC-3'

ClinVar aggregate classification (germline): Uncertain significance (1 of 4 stars; one submission).

gnomAD v4.1: 2 of 1,593,978 alleles (0.00013%); highest among the groups gnomAD compares: South Asian, 0.0011%; no homozygotes.

Submission:

CeGaT Center for Human Genetics Tuebingen
Classification: Uncertain significance. Last evaluated: 2025-11-01. Review status: criteria provided, single submitter. Criteria: CeGaT Center For Human Genetics Tuebingen Variant Classification Criteria Version 2. Collection method: clinical testing. Allele origin: germline. Affected: yes. Observed: 1 variant allele.
Comment: NLRP1: PM2:Supporting